The following is an entry in ClinVar:

NM_201384.3(PLEC):c.5633G>T (p.Arg1878Leu)

Gene: PLEC (plectin; minus strand). Cytogenetic location: 8q24.3.
Variant type: single nucleotide variant.
Coding change: c.5633G>T on transcript NM_201384.3 (MANE Select); coding-DNA position 5633, G replaced by T.
Protein change: p.Arg1878Leu; replaces arginine 1878 with leucine.
Molecular consequence: missense variant.
Genome position (GRCh38, 1-based): chr8:143,924,296, C>A on the plus strand (G>T on the coding strand, the complement: PLEC is on the minus strand). VCF-style: chr8-143924296-C-A. GRCh37 (hg19) VCF-style: chr8-144998464-C-A.
Other names: c.5714G>T, p.Arg1905Leu (NM_000445.5); c.5591G>T, p.Arg1864Leu (NM_201378.4); c.5567G>T, p.Arg1856Leu (NM_201379.3); c.6044G>T, p.Arg2015Leu (NM_201380.4); c.5537G>T, p.Arg1846Leu (NM_201381.3); c.5633G>T, p.Arg1878Leu (NM_201382.4); c.5645G>T, p.Arg1882Leu (NM_201383.3); short protein forms R1856L, R1882L, R1905L, R1878L, R2015L, R1864L, R1846L.
Identifiers: ClinVar variation 949088 (VCV000949088.7), dbSNP rs373617951, ClinGen allele CA372543058.
Genomic context (GRCh38, chr8:143,924,296, plus strand): 5'-AGCTGGGCCAGGCGCTCCTCGATGTCAGCCTTGTGTTGCGCGGCCTGCTCCTCCAGCCGC[C>A]GCCGCTGGAAGGCCTCGTCCTCCGCCAGCCGCCGCAGGCGCTCGTTCTCCGCCTCCTTCT-3'
Protein context (NP_958786.1, residues 1868-1888): RLAEDEAFQR[Arg1878Leu]RLEEQAAQHK

ClinVar aggregate classification (germline): Uncertain significance (1 of 4 stars; one submission).

Conditions:
Epidermolysis bullosa simplex 5C, with pyloric atresia (EBS5C). Also called: PLEC-Related Epidermolysis Bullosa with Pyloric Atresia; Epidermolysis bullosa simplex with pyloric atresia; PLEC1-Related Epidermolysis Bullosa with Pyloric Atresia. Identifiers: Orphanet 158684, MedGen C2677349, MONDO:0012807, OMIM 612138.
Epidermolysis bullosa simplex 5B, with muscular dystrophy (EBS5B). Also called: Epidermolysis bullosa simplex with muscular dystrophy; EPIDERMOLYSIS BULLOSA SIMPLEX AND LIMB-GIRDLE MUSCULAR DYSTROPHY. Identifiers: Orphanet 257, MedGen C2931072, MONDO:0009181, OMIM 226670.
Epidermolysis bullosa simplex, Ogna type (EBS5A). Also called: Pidermolysis bullosa simplex 5A, Ogna type; EPIDERMOLYSIS BULLOSA SIMPLEX 5A, OGNA TYPE. Identifiers: Orphanet 79401, MedGen C0432317, MONDO:0007555, OMIM 131950.
Autosomal recessive limb-girdle muscular dystrophy type 2Q (LGMDR17). Also called: MUSCULAR DYSTROPHY, LIMB-GIRDLE, AUTOSOMAL RECESSIVE 17. Identifiers: Orphanet 254361, MedGen C3150989, MONDO:0013390, OMIM 613723.
Epidermolysis bullosa simplex with nail dystrophy (EBS5D). Identifiers: MedGen C4225309, MONDO:0014661, OMIM 616487.

gnomAD v4.1: 1 of 1,594,980 alleles (0.000063%); highest among the groups gnomAD compares: Non-Finnish European, 0.000085%; no homozygotes.

Submission:

Labcorp Genetics (formerly Invitae), Labcorp
Classification: Uncertain significance for Autosomal recessive limb-girdle muscular dystrophy type 2Q; Epidermolysis bullosa simplex, Ogna type; Epidermolysis bullosa simplex with nail dystrophy; Epidermolysis bullosa simplex 5C, with pyloric atresia; Epidermolysis bullosa simplex 5B, with muscular dystrophy. Last evaluated: 2022-11-08. Review status: criteria provided, single submitter. Criteria: Invitae Variant Classification Sherloc (09022015). Collection method: clinical testing. Allele origin: germline.
Comment: In summary, the available evidence is currently insufficient to determine the role of this variant in disease. Therefore, it has been classified as a Variant of Uncertain Significance. Algorithms developed to predict the effect of missense changes on protein structure and function are either unavailable or do not agree on the potential impact of this missense change (SIFT: "Deleterious"; PolyPhen-2: "Not Available"; Align-GVGD: "Class C35"). ClinVar contains an entry for this variant (Variation ID: 949088). This variant has not been reported in the literature in individuals affected with PLEC-related conditions. This variant is not present in population databases (gnomAD no frequency). This sequence change replaces arginine, which is basic and polar, with leucine, which is neutral and non-polar, at codon 1905 of the PLEC protein (p.Arg1905Leu).